The following is an entry in ClinVar:

NM_001128840.3(CACNA1D):c.3798T>G (p.Ser1266Arg)

Gene: CACNA1D (calcium voltage-gated channel subunit alpha1 D; plus strand). Cytogenetic location: 3p21.1.
Variant type: single nucleotide variant.
Coding change: c.3798T>G on transcript NM_001128840.3 (MANE Select); coding-DNA position 3798, T replaced by G.
Protein change: p.Ser1266Arg; replaces serine 1266 with arginine.
Molecular consequence: missense variant.
Genome position (GRCh38, 1-based): chr3:53,762,009, T>G. VCF-style: chr3-53762009-T-G. GRCh37 (hg19) VCF-style: chr3-53796036-T-G.
Other names: c.3858T>G, p.Ser1286Arg (NM_000720.4); c.3798T>G, p.Ser1266Arg (NM_001128839.3); short protein forms S1266R, S1286R.
Identifiers: ClinVar variation 4847999 (VCV004847999.1).

ClinVar aggregate classification (germline): Uncertain significance (1 of 4 stars; one submission).

Submission:

Women's Health and Genetics/Laboratory Corporation of America, LabCorp
Classification: Uncertain significance. Last evaluated: 2026-02-06. Review status: criteria provided, single submitter. Criteria: LabCorp Variant Classification Summary - May 2015. Collection method: clinical testing. Allele origin: germline.
Comment: Variant summary: CACNA1D c.3858T>G (p.Ser1286Arg) results in a non-conservative amino acid change in the encoded protein sequence. Algorithms developed to predict the effect of missense changes on protein structure and function all suggest that this variant is likely to be disruptive. The variant was absent in 251496 control chromosomes. The available data on variant occurrences in the general population are insufficient to allow any conclusion about variant significance. To our knowledge, no occurrence of c.3858T>G in individuals affected with CACNA1D-related conditions and no experimental evidence demonstrating its impact on protein function have been reported. No submitters have cited clinical-significance assessments for this variant to ClinVar. Based on the evidence outlined above, the variant was classified as uncertain significance.